The following is an entry in ClinVar:

NM_004360.5(CDH1):c.1215T>A (p.Asn405Lys)

Gene: CDH1 (cadherin 1; plus strand). Cytogenetic location: 16q22.1.
Variant type: single nucleotide variant.
Coding change: c.1215T>A on transcript NM_004360.5 (MANE Select); coding-DNA position 1215, T replaced by A.
Protein change: p.Asn405Lys; replaces asparagine 405 with lysine.
Molecular consequence: missense variant. On other transcripts: 5 prime UTR variant (2), intron variant (1).
Genome position (GRCh38, 1-based): chr16:68,813,390, T>A. VCF-style: chr16-68813390-T-A. GRCh37 (hg19) VCF-style: chr16-68847293-T-A.
Other names: c.-401T>A (NM_001317185.2); c.-605T>A (NM_001317186.2); c.1137+1127T>A (NM_001317184.2); short protein forms N405K.
Identifiers: ClinVar variation 491491 (VCV000491491.19), dbSNP rs1555515891, ClinGen allele CA396461337.

ClinVar aggregate classification (germline): Conflicting classifications of pathogenicity. Review status: criteria provided, conflicting classifications (1 of 4 stars). 3 submissions from 3 submitters: Uncertain significance (2); Likely benign (1). Last evaluated 2025-06-16.

Conditions:
Hereditary cancer-predisposing syndrome. Also called: Tumor predisposition; Neoplastic Syndromes, Hereditary; Hereditary Cancer Syndrome; Hereditary neoplastic syndrome. Identifiers: Orphanet 140162, MedGen C0027672, MeSH D009386, MONDO:0015356.
Hereditary diffuse gastric adenocarcinoma (HDGC). Also called: DIFFUSE GASTRIC AND LOBULAR BREAST CANCER SYNDROME. Identifiers: Orphanet 26106, MedGen C1708349, MONDO:0007648, OMIM 137215.

Submissions (3):

Ambry Genetics
Classification: Likely benign for Hereditary cancer-predisposing syndrome. Last evaluated: 2025-06-16. Review status: criteria provided, single submitter. Criteria: Ambry Variant Classification Scheme 2023. Collection method: clinical testing. Allele origin: germline.

Labcorp Genetics (formerly Invitae), Labcorp
Classification: Uncertain significance for Hereditary diffuse gastric adenocarcinoma. Last evaluated: 2025-04-24. Review status: criteria provided, single submitter. Criteria: Invitae Variant Classification Sherloc (09022015). Collection method: clinical testing. Allele origin: germline.
Comment: This sequence change replaces asparagine, which is neutral and polar, with lysine, which is basic and polar, at codon 405 of the CDH1 protein (p.Asn405Lys). This variant is not present in population databases (gnomAD no frequency). This variant has not been reported in the literature in individuals affected with CDH1-related conditions. ClinVar contains an entry for this variant (Variation ID: 491491). An algorithm developed to predict the effect of missense changes on protein structure and function (PolyPhen-2) suggests that this variant is likely to be disruptive. In summary, the available evidence is currently insufficient to determine the role of this variant in disease. Therefore, it has been classified as a Variant of Uncertain Significance.

Color Diagnostics, LLC DBA Color Health
Classification: Uncertain significance for Hereditary cancer-predisposing syndrome. Last evaluated: 2023-12-05. Review status: criteria provided, single submitter. Criteria: ACMG Guidelines, 2015. Collection method: clinical testing. Allele origin: germline.
Comment: This missense variant replaces asparagine with lysine at codon 405 of the CDH1 protein. To our knowledge, functional studies have not been reported for this variant. This variant has not been reported in individuals affected with CDH1-related disorders in the literature. This variant has not been identified in the general population by the Genome Aggregation Database (gnomAD). The available evidence is insufficient to determine the role of this variant in disease conclusively. Therefore, this variant is classified as a Variant of Uncertain Significance.